The following is an entry in ClinVar:

ClinVar aggregate classification (germline): Uncertain significance. Review status: criteria provided, multiple submitters, no conflicts (2 of 4 stars). 3 submissions from 3 submitters: Uncertain significance (2). 1 of the submissions does not count toward it. Last evaluated 2025-06-24.

Conditions:
Retinitis pigmentosa 51 (RP51). Identifiers: Orphanet 791, MedGen C3150715, MONDO:0013274, OMIM 613464.
Bardet-Biedl syndrome 8 (BBS8). Identifiers: Orphanet 110, MedGen C1859566, MONDO:0014436, OMIM 615985.
TTC8-related disorder. Also called: TTC8-related condition.
Inborn genetic diseases. Identifiers: MedGen C0950123, MeSH D030342.

Allele frequency attached by ClinVar (database versions not stated): TOPMed below 0.00001; gnomAD 0.00001; gnomAD exomes 0.00001.
gnomAD v4.1: 12 of 1,614,014 alleles (0.00074%); highest among the groups gnomAD compares: Admixed American, 0.0017%; no homozygotes.

Submissions (3):

Ambry Genetics
Classification: Uncertain significance for Inborn genetic diseases. Last evaluated: 2025-06-24. Review status: criteria provided, single submitter. Criteria: Ambry Variant Classification Scheme 2023. Collection method: clinical testing. Allele origin: germline.

Fulgent Genetics
Classification: Uncertain significance for Retinitis pigmentosa 51; Bardet-Biedl syndrome 8. Last evaluated: 2024-05-28. Review status: criteria provided, single submitter. Criteria: ACMG Guidelines, 2015. Collection method: clinical testing. Allele origin: germline.

PreventionGenetics, part of Exact Sciences
Classification: Uncertain significance for TTC8-related condition. Last evaluated: 2023-12-16. Review status: no assertion criteria provided. Collection method: clinical testing. Allele origin: germline. Not counted in ClinVar's aggregate classification.
Comment: The TTC8 c.1037T>C variant is predicted to result in the amino acid substitution p.Leu346Pro. To our knowledge, this variant has not been reported in the literature or in a large population database, indicating this variant is rare. At this time, the clinical significance of this variant is uncertain due to the absence of conclusive functional and genetic evidence.

NM_144596.4(TTC8):c.1037T>C (p.Leu346Pro)

Gene: TTC8 (tetratricopeptide repeat domain 8; plus strand). Cytogenetic location: 14q31.3.
Variant type: single nucleotide variant.
Coding change: c.1037T>C on transcript NM_144596.4 (MANE Select); coding-DNA position 1037, T replaced by C.
Protein change: p.Leu346Pro; replaces leucine 346 with proline.
Molecular consequence: missense variant. On other transcripts: non-coding transcript variant (1).
Genome position (GRCh38, 1-based): chr14:88,870,186, T>C. VCF-style: chr14-88870186-T-C. GRCh37 (hg19) VCF-style: chr14-89336530-T-C.
Other names: c.1007T>C (NM_198309.2); c.1085T>C, p.Leu362Pro (NM_001288781.1); c.443T>C, p.Leu148Pro (NM_001288782.1); c.320T>C, p.Leu107Pro (NM_001288783.1); c.1007T>C, p.Leu336Pro (NM_001366535.2, NM_198309.3); c.917T>C, p.Leu306Pro (NM_001366536.2, NM_198310.3); short protein forms L107P, L148P, L306P, L336P, L346P, L362P.
Identifiers: ClinVar variation 3029946 (VCV003029946.4), dbSNP rs1042941820, ClinGen allele CA264572775.